The following is an entry in ClinVar:

NM_004972.4(JAK2):c.2936C>T (p.Thr979Met)

Genes: INSL6 (insulin like 6; minus strand), JAK2 (Janus kinase 2; plus strand). Cytogenetic location: 9p24.1.
Variant type: single nucleotide variant.
Coding change: c.2936C>T on transcript NM_004972.4 (MANE Select); coding-DNA position 2936, C replaced by T.
Protein change: p.Thr979Met; replaces threonine 979 with methionine.
Molecular consequence: missense variant. On other transcripts: non-coding transcript variant (2).
Genome position (GRCh38, 1-based): chr9:5,090,788, C>T. VCF-style: chr9-5090788-C-T. GRCh37 (hg19) VCF-style: chr9-5090788-C-T.
Other names: c.2936C>T, p.Thr979Met (NM_001322194.2, NM_001322195.2, NM_001322196.2); c.1721C>T, p.Thr574Met (NM_001322198.2, NM_001322199.2); c.2489C>T, p.Thr830Met (NM_001322204.2); short protein forms T574M, T830M, T979M.
Identifiers: ClinVar variation 3606893 (VCV003606893.2).

ClinVar aggregate classification (germline): Uncertain significance (1 of 4 stars; one submission).

gnomAD v4.1: 16 of 1,612,812 alleles (0.00099%); highest among the groups gnomAD compares: Non-Finnish European, 0.0013%; no homozygotes.

Submission:

Labcorp Genetics (formerly Invitae), Labcorp
Classification: Uncertain significance. Last evaluated: 2024-03-14. Review status: criteria provided, single submitter. Criteria: Invitae Variant Classification Sherloc (09022015). Collection method: clinical testing. Allele origin: germline.
Comment: This sequence change replaces threonine, which is neutral and polar, with methionine, which is neutral and non-polar, at codon 979 of the JAK2 protein (p.Thr979Met). This variant is not present in population databases (gnomAD no frequency). This variant has not been reported in the literature in individuals affected with JAK2-related conditions. Advanced modeling of protein sequence and biophysical properties (such as structural, functional, and spatial information, amino acid conservation, physicochemical variation, residue mobility, and thermodynamic stability) performed at Invitae indicates that this missense variant is not expected to disrupt JAK2 protein function with a negative predictive value of 80%. In summary, the available evidence is currently insufficient to determine the role of this variant in disease. Therefore, it has been classified as a Variant of Uncertain Significance.